The following is an entry in ClinVar:

NM_004656.4(BAP1):c.73A>G (p.Lys25Glu)

Gene: BAP1 (BRCA1 associated deubiquitinase 1; minus strand). Cytogenetic location: 3p21.1.
Variant type: single nucleotide variant.
Coding change: c.73A>G on transcript NM_004656.4 (MANE Select); coding-DNA position 73, A replaced by G.
Protein change: p.Lys25Glu; replaces lysine 25 with glutamic acid.
Molecular consequence: missense variant.
Genome position (GRCh38, 1-based): chr3:52,409,603, T>C on the plus strand (A>G on the coding strand, the complement: BAP1 is on the minus strand). VCF-style: chr3-52409603-T-C. GRCh37 (hg19) VCF-style: chr3-52443619-T-C.
Other names: c.73A>G, p.Lys25Glu (NM_001410772.1); short protein forms K25E.
Identifiers: ClinVar variation 4824084 (VCV004824084.1).

ClinVar aggregate classification (germline): Uncertain significance (1 of 4 stars; one submission).

Conditions:
Hereditary cancer-predisposing syndrome. Also called: Neoplastic Syndromes, Hereditary; Hereditary neoplastic syndrome; Tumor predisposition; Hereditary Cancer Syndrome. Identifiers: Orphanet 140162, MedGen C0027672, MeSH D009386, MONDO:0015356.

Submission:

Ambry Genetics
Classification: Uncertain significance for Hereditary cancer-predisposing syndrome. Last evaluated: 2026-01-15. Review status: criteria provided, single submitter. Criteria: Ambry Variant Classification Scheme 2023. Collection method: clinical testing. Allele origin: germline.
Comment: The p.K25E variant (also known as c.73A>G), located in coding exon 3 of the BAP1 gene, results from an A to G substitution at nucleotide position 73. The lysine at codon 25 is replaced by glutamic acid, an amino acid with similar properties. This amino acid position is conserved. In addition, this alteration is predicted to be tolerated by in silico analysis. Based on the available evidence, the clinical significance of this variant remains unclear.